The following is an entry in ClinVar:

ClinVar aggregate classification (germline): Likely pathogenic (1 of 4 stars; one submission).

Conditions:
Deficiency of alpha-mannosidase (MANSA). Also called: Mannosidosis, alpha-, types I and II; Alpha-Mannosidosis; LYSOSOMAL ALPHA-D-MANNOSIDASE DEFICIENCY. Identifiers: Orphanet 61, MedGen C0024748, MONDO:0009561, OMIM 248500.

Submission:

Myriad Genetics, Inc.
Classification: Likely pathogenic for Deficiency of alpha-mannosidase. Last evaluated: 2019-09-29. Review status: criteria provided, single submitter. Criteria: Myriad Women's Health Autosomal Recessive and X-Linked Classification Criteria (2019). Collection method: clinical testing. Allele origin: unknown.
Comment: NM_000528.3(MAN2B1):c.953C>A(S318*) is expected to be pathogenic in the context of alpha-mannosidosis. This variant is predicted to lead to an abnormal or absent protein product due to the creation of a premature termination codon in MAN2B1, a gene where loss-of-function variants are known to be pathogenic. Please note: this variant was assessed in the context of healthy population screening.

NM_000528.4(MAN2B1):c.953C>A (p.Ser318Ter)

Gene: MAN2B1 (mannosidase alpha class 2B member 1; minus strand). Cytogenetic location: 19p13.13.
Variant type: single nucleotide variant.
Coding change: c.953C>A on transcript NM_000528.4 (MANE Select); coding-DNA position 953, C replaced by A.
Protein change: p.Ser318Ter; replaces serine 318 with a stop codon.
Molecular consequence: nonsense.
Genome position (GRCh38, 1-based): chr19:12,661,333, G>T on the plus strand (C>A on the coding strand, the complement: MAN2B1 is on the minus strand). VCF-style: chr19-12661333-G-T. GRCh37 (hg19) VCF-style: chr19-12772147-G-T.
Other names: c.953C>A, p.Ser318Ter (NM_001173498.2); short protein forms S318*.
Identifiers: ClinVar variation 984242 (VCV000984242.3), dbSNP rs774034389, ClinGen allele CA404250540.
Genomic context (GRCh38, chr19:12,661,333, plus strand): 5'-AGCCGGATGAGCTTGTCAAGGTTCTTGAACCACATGTTGGCATTCTCATATTGGAAGTCC[G>T]AGCCCATGGTCATCACAGTGTGGTTGGTGCGGTAATACCGGCCCTGCAGGCAAGAGGGGA-3'